The following is an entry in ClinVar:

ClinVar aggregate classification (germline): Pathogenic/Likely pathogenic. Review status: criteria provided, multiple submitters, no conflicts (2 of 4 stars). 2 submissions from 2 submitters: Pathogenic (1); Likely pathogenic (1). Last evaluated 2024-06-18.

Conditions:
Hereditary cancer-predisposing syndrome. Also called: Tumor predisposition; Hereditary neoplastic syndrome; Neoplastic Syndromes, Hereditary; Hereditary Cancer Syndrome. Identifiers: Orphanet 140162, MedGen C0027672, MeSH D009386, MONDO:0015356.
Familial adenomatous polyposis 1 (FAP1). Also called: POLYPOSIS, ADENOMATOUS INTESTINAL; FAMILIAL ADENOMATOUS POLYPOSIS 1, ATTENUATED. Identifiers: MedGen C2713442, MONDO:0021056, OMIM 175100. Disease mechanism: loss of function.

Submissions (2):

Ambry Genetics
Classification: Likely pathogenic for Hereditary cancer-predisposing syndrome. Last evaluated: 2024-06-18. Review status: criteria provided, single submitter. Criteria: Ambry Variant Classification Scheme 2023. Collection method: clinical testing. Allele origin: germline.
Comment: The c.2618_2620delCTTinsTG variant, located in coding exon 15 of the APC gene, results from the deletion of 3 nucleotides and insertion of two nucleotides causing a translational frameshift with a predicted alternate stop codon (p.S873Lfs*43). This alteration occurs at the 3' terminus of theAPC gene, is not expected to trigger nonsense-mediated mRNA decay, and impacts the last 67% of the protein. However, premature stop codons are typically deleterious in nature and the impacted region is critical for protein function (Ambry internal data). This variant is considered to be rare based on population cohorts in the Genome Aggregation Database (gnomAD). Based on the majority of available evidence to date, this variant is likely to be pathogenic.

Myriad Genetics, Inc.
Classification: Pathogenic for Familial adenomatous polyposis 1. Last evaluated: 2023-05-04. Review status: criteria provided, single submitter. Criteria: Myriad Autosomal Dominant, Autosomal Recessive and X-Linked Classification Criteria (2023). Collection method: clinical testing. Allele origin: unknown.
Comment: This variant is considered pathogenic. This variant creates a frameshift predicted to result in premature protein truncation.

NM_000038.6(APC):c.2618_2620delinsTG (p.Ser873fs)

Gene: APC (APC regulator of Wnt signaling pathway; plus strand). Cytogenetic location: 5q22.2.
Variant type: Indel.
Coding change: c.2618_2620delinsTG on transcript NM_000038.6 (MANE Select); coding-DNA positions 2618 to 2620, CTT replaced by TG.
Protein change: p.Ser873fs; shifts the reading frame from serine 873.
Molecular consequence: frameshift variant. On other transcripts: non-coding transcript variant (2).
Genome position (GRCh38, 1-based): chr5:112,838,212-112,838,214, CTT replaced by TG. VCF-style: chr5-112838212-CTT-TG. GRCh37 (hg19) VCF-style: chr5-112173909-CTT-TG.
Other names: c.2618_2620delCTTinsTG (NM_000038.5); c.2618_2620delinsTG, p.Ser873fs (NM_001127510.3, NM_001354895.2, NM_001407450.1); c.2564_2566delinsTG, p.Ser855fs (NM_001127511.3); c.2672_2674delinsTG, p.Ser891fs (NM_001354896.2, NM_001407447.1, NM_001407448.1 and 1 more transcripts); c.2648_2650delinsTG, p.Ser883fs (NM_001354897.2); c.2543_2545delinsTG, p.Ser848fs (NM_001354898.2); c.2534_2536delinsTG, p.Ser845fs (NM_001354899.2); c.2495_2497delinsTG, p.Ser832fs (NM_001354900.2); and 12 more; short protein forms S489fs, S590fs, S713fs, S744fs, S747fs, S772fs, S782fs, S790fs.
Identifiers: ClinVar variation 2583754 (VCV002583754.3), dbSNP rs2533436971, ClinGen allele CA2582341340.
Genomic context (GRCh38, chr5:112,838,212, plus strand): 5'-AGAGAGAACGCGGAATTGGTCTAGGCAACTACCATCCAGCAACAGAAAATCCAGGAACTT[CTT>TG]CAAAGCGAGGTTTGCAGATCTCCACCACTGCAGCCCAGATTGCCAAAGTCATGGAAGAAG-3'